The following is an entry in ClinVar:

ClinVar aggregate classification (germline): Uncertain significance. Review status: criteria provided, multiple submitters, no conflicts (2 of 4 stars). 2 submissions from 2 submitters: Uncertain significance (2). Last evaluated 2024-07-02.

Allele frequency attached by ClinVar (database versions not stated): gnomAD exomes below 0.00001; TOPMed below 0.00001; gnomAD 0.00001.
gnomAD v4.1: 2 of 1,614,104 alleles (0.00012%); highest among the groups gnomAD compares: East Asian, 0.0045%; no homozygotes.

Submissions (2):

Ambry Genetics
Classification: Uncertain significance. Last evaluated: 2024-07-02. Review status: criteria provided, single submitter. Criteria: Ambry Variant Classification Scheme 2023. Collection method: clinical testing. Allele origin: germline.

Labcorp Genetics (formerly Invitae), Labcorp
Classification: Uncertain significance. Last evaluated: 2022-09-26. Review status: criteria provided, single submitter. Criteria: Invitae Variant Classification Sherloc (09022015). Collection method: clinical testing. Allele origin: germline.
Comment: ClinVar contains an entry for this variant (Variation ID: 1358505). Algorithms developed to predict the effect of missense changes on protein structure and function (SIFT, PolyPhen-2, Align-GVGD) all suggest that this variant is likely to be tolerated. In summary, the available evidence is currently insufficient to determine the role of this variant in disease. Therefore, it has been classified as a Variant of Uncertain Significance. This sequence change replaces tyrosine, which is neutral and polar, with phenylalanine, which is neutral and non-polar, at codon 693 of the SLC7A14 protein (p.Tyr693Phe). This variant is not present in population databases (gnomAD no frequency). This variant has not been reported in the literature in individuals affected with SLC7A14-related conditions.

NM_020949.3(SLC7A14):c.2078A>T (p.Tyr693Phe)

Genes: SLC7A14-AS1 (SLC7A14 antisense RNA 1; plus strand), SLC7A14 (solute carrier family 7 member 14; minus strand). Cytogenetic location: 3q26.2.
Variant type: single nucleotide variant.
Coding change: c.2078A>T on transcript NM_020949.3 (MANE Select); coding-DNA position 2078, A replaced by T.
Protein change: p.Tyr693Phe; replaces tyrosine 693 with phenylalanine.
Molecular consequence: missense variant. On other transcripts: non-coding transcript variant (3).
Genome position (GRCh38, 1-based): chr3:170,467,293, T>A on the plus strand (A>T on the coding strand, the complement: SLC7A14 is on the minus strand). VCF-style: chr3-170467293-T-A. GRCh37 (hg19) VCF-style: chr3-170185081-T-A.
Other names: c.2078A>T (NM_020949.2); short protein forms Y693F.
Identifiers: ClinVar variation 1358505 (VCV001358505.7), dbSNP rs1236450771, ClinGen allele CA355484348.
Genomic context (GRCh38, chr3:170,467,293, plus strand): 5'-TCTGTGGCGTAGGAGAAACCCTCCTCCACTGAGAAGGGGTCATCCACGTCGTAGCGTTGG[T>A]ACGTGCTTTGGTGCAGGGCCTCTTCTCGAGCGCTGATTTCCAGGGTGCTGTTCCAGATGC-3'
Protein context (NP_066000.2, residues 683-703): AREEALHQST[Tyr693Phe]QRYDVDDPFS